The following is an entry in ClinVar:

NM_001374259.2(IL12RB2):c.1959_1961del (p.Leu654del)

Gene: IL12RB2 (interleukin 12 receptor subunit beta 2; plus strand). Cytogenetic location: 1p31.3.
Variant type: Deletion.
Coding change: c.1959_1961del on transcript NM_001374259.2 (MANE Select); coding-DNA positions 1959 to 1961, 3 bases deleted (CCT; older notation c.1959_1961delCCT).
Protein change: p.Leu654del; deletes leucine 654.
Molecular consequence: inframe deletion. On other transcripts: non-coding transcript variant (2), intron variant (3).
Genome position (GRCh38, 1-based): chr1:67,390,041-67,390,043, CCT deleted; deleting any 3 consecutive bases within chr1:67,390,039-67,390,043 gives the same sequence; the c. name uses the placement nearest the transcript's 3' end. VCF-style (leftmost placement, unchanged base first): chr1-67390038-TCTC-T. GRCh37 (hg19) VCF-style: chr1-67855721-TCTC-T.
Other names: c.1701_1703del, p.Leu568del (NM_001258215.1); c.1959_1961del, p.Leu654del (NM_001559.3); c.1946+3372_1946+3374del (NM_001258214.1, NM_001319233.1); c.1856-5506_1856-5504del (NM_001258216.1); short protein forms L568del, L654del.
Identifiers: ClinVar variation 2890487 (VCV002890487.3), dbSNP rs770718321, ClinGen allele CA900624.

ClinVar aggregate classification (germline): Uncertain significance (1 of 4 stars; one submission).

Submission:

Labcorp Genetics (formerly Invitae), Labcorp
Classification: Uncertain significance. Last evaluated: 2024-08-17. Review status: criteria provided, single submitter. Criteria: Invitae Variant Classification Sherloc (09022015). Collection method: clinical testing. Allele origin: germline.
Comment: This variant, c.1959_1961del, results in the deletion of 1 amino acid(s) of the IL12RB2 protein (p.Leu654del), but otherwise preserves the integrity of the reading frame. This variant is present in population databases (rs770718321, gnomAD 0.06%), and has an allele count higher than expected for a pathogenic variant. This variant has not been reported in the literature in individuals affected with IL12RB2-related conditions. Experimental studies and prediction algorithms are not available or were not evaluated, and the functional significance of this variant is currently unknown. In summary, the available evidence is currently insufficient to determine the role of this variant in disease. Therefore, it has been classified as a Variant of Uncertain Significance.